The following is an entry in ClinVar:

ClinVar aggregate classification (germline): Likely benign (1 of 4 stars; one submission).

Allele frequency attached by ClinVar (database versions not stated): 1000 Genomes Project 30x 0.00265; 1000 Genomes Project 0.00280; TOPMed 0.00383; ESP Exome Variant Server 0.00550; gnomAD 0.00681; ExAC 0.00687; gnomAD exomes 0.00740.
gnomAD v4.1: 11,360 of 1,556,646 alleles (0.73%); highest among the groups gnomAD compares: Non-Finnish European, 0.74%; 85 homozygotes.

Submission:

CeGaT Center for Human Genetics Tuebingen
Classification: Likely benign. Last evaluated: 2026-10-01. Review status: criteria provided, single submitter. Criteria: CeGaT Center For Human Genetics Tuebingen Variant Classification Criteria Version 2. Collection method: clinical testing. Allele origin: germline. Affected: yes. Observed: 8 variant alleles.
Comment: VPS50: BP4, BP7, BS2

NM_017667.4(VPS50):c.2730T>C (p.Tyr910=)

Gene: VPS50 (VPS50 subunit of EARP/GARPII complex; plus strand). Cytogenetic location: 7q21.3.
Variant type: single nucleotide variant.
Coding change: c.2730T>C on transcript NM_017667.4 (MANE Select); coding-DNA position 2730, T replaced by C.
Protein change: p.Tyr910=; no amino-acid change (tyrosine 910 retained).
Molecular consequence: synonymous variant.
Genome position (GRCh38, 1-based): chr7:93,356,035, T>C. VCF-style: chr7-93356035-T-C. GRCh37 (hg19) VCF-style: chr7-92985347-T-C.
Other names: c.2640T>C, p.Tyr880= (NM_001257998.2).
Identifiers: ClinVar variation 2657678 (VCV002657678.24), dbSNP rs148888740, ClinGen allele CA4345199.